The following is an entry in ClinVar:

ClinVar aggregate classification (germline): Likely benign. Review status: criteria provided, multiple submitters, no conflicts (2 of 4 stars). 3 submissions from 3 submitters: Likely benign (3). Last evaluated 2025-11-01.

Conditions:
Inborn genetic diseases. Identifiers: MedGen C0950123, MeSH D030342.

Allele frequency attached by ClinVar (database versions not stated): gnomAD 0.00001; gnomAD exomes 0.00002; TOPMed 0.00002; ExAC 0.00011.
gnomAD v4.1: 40 of 1,599,586 alleles (0.0025%); highest among the groups gnomAD compares: South Asian, 0.0079%; no homozygotes.

Submissions (3):

CeGaT Center for Human Genetics Tuebingen
Classification: Likely benign. Last evaluated: 2025-11-01. Review status: criteria provided, single submitter. Criteria: CeGaT Center For Human Genetics Tuebingen Variant Classification Criteria Version 2. Collection method: clinical testing. Allele origin: germline. Affected: yes. Observed: 2 variant alleles.
Comment: TRAPPC9: BP4, BP7

Labcorp Genetics (formerly Invitae), Labcorp
Classification: Likely benign. Last evaluated: 2023-11-28. Review status: criteria provided, single submitter. Criteria: Invitae Variant Classification Sherloc (09022015). Collection method: clinical testing. Allele origin: germline.

Ambry Genetics
Classification: Likely benign for Inborn genetic diseases. Last evaluated: 2018-04-02. Review status: criteria provided, single submitter. Criteria: Ambry Variant Classification Scheme 2023. Collection method: clinical testing. Allele origin: germline.

NM_001160372.4(TRAPPC9):c.3240C>T (p.Thr1080=)

Gene: TRAPPC9 (trafficking protein particle complex subunit 9; minus strand). Cytogenetic location: 8q24.3.
Variant type: single nucleotide variant.
Coding change: c.3240C>T on transcript NM_001160372.4 (MANE Select); coding-DNA position 3240, C replaced by T.
Protein change: p.Thr1080=; no amino-acid change (threonine 1080 retained).
Molecular consequence: synonymous variant. On other transcripts: non-coding transcript variant (1).
Genome position (GRCh38, 1-based): chr8:139,732,018, G>A on the plus strand (C>T on the coding strand, the complement: TRAPPC9 is on the minus strand). VCF-style: chr8-139732018-G-A. GRCh37 (hg19) VCF-style: chr8-140744261-G-A.
Other names: c.3213C>T, p.Thr1071= (NM_001321646.2); c.3261C>T, p.Thr1087= (NM_001374682.1); c.3129C>T, p.Thr1043= (NM_001374683.1); c.3096C>T, p.Thr1032= (NM_001374684.1); c.3240C>T, p.Thr1080= (NM_031466.8).
Identifiers: ClinVar variation 1711683 (VCV001711683.37), dbSNP rs746376660, ClinGen allele CA4892768.
Genomic context (GRCh38, chr8:139,732,018, plus strand): 5'-GCCTTGCACACCACCACGCACCGCGTCGAGGTAGAAGGTGCTGGAGCCCACGAAGGAGAC[G>A]GTGTCGTGCAGGTCGTAGTTGTGCACGCCGTTCTGGTGGTCCTGGAAGGGGACCACAGTG-3'
Protein context (NP_001153844.1, residues 1070-1090): NGVHNYDLHD[Thr1080=]VSFVGSSTFY